The following is an entry in ClinVar:

NM_020631.6(PLEKHG5):c.2642G>A (p.Ser881Asn)

Gene: PLEKHG5 (pleckstrin homology and RhoGEF domain containing G5; minus strand). Cytogenetic location: 1p36.31.
Variant type: single nucleotide variant.
Coding change: c.2642G>A on transcript NM_020631.6 (MANE Select); coding-DNA position 2642, G replaced by A.
Protein change: p.Ser881Asn; replaces serine 881 with asparagine.
Molecular consequence: missense variant.
Genome position (GRCh38, 1-based): chr1:6,468,194, C>T on the plus strand (G>A on the coding strand, the complement: PLEKHG5 is on the minus strand). VCF-style: chr1-6468194-C-T. GRCh37 (hg19) VCF-style: chr1-6528254-C-T.
Other names: c.2753G>A, p.Ser918Asn (NM_001042663.3, NM_001265592.2); c.2642G>A, p.Ser881Asn (NM_001042664.2, NM_001042665.2, NM_001265594.3 and 1 more transcripts); c.2849G>A, p.Ser950Asn (NM_001265593.2); short protein forms S950N, S881N, S918N.
Identifiers: ClinVar variation 864008 (VCV000864008.6), dbSNP rs769702301, ClinGen allele CA561115.
Genomic context (GRCh38, chr1:6,468,194, plus strand): 5'-CTGCGGCTGGGGGCAGAGGGTGTCCCATGGGTGCCAGCCCCTGCCAGCAGCTGGAGGAGG[C>T]TGGCCTCGGACTTAGACTTGAGCAGGTGGGGCGGGCAGCTCAACAGCTGGACAGGGGTGC-3'
Protein context (NP_065682.2, residues 871-891): PHLLKSKSEA[Ser881Asn]LLQLLAGAGT

ClinVar aggregate classification (germline): Uncertain significance. Review status: criteria provided, multiple submitters, no conflicts (2 of 4 stars). 2 submissions from 2 submitters: Uncertain significance (2). Last evaluated 2024-03-01.

Conditions:
Inborn genetic diseases. Identifiers: MedGen C0950123, MeSH D030342.
Neuronopathy, distal hereditary motor, autosomal recessive 4. Also called: NEUROPATHY, DISTAL HEREDITARY MOTOR, AUTOSOMAL RECESSIVE 4; Autosomal recessive lower motor neuron disease with childhood onset. Identifiers: Orphanet 206580, MedGen C1970211, MONDO:0012608, OMIM 611067.
Charcot-Marie-Tooth disease recessive intermediate C. Also called: CHARCOT-MARIE-TOOTH NEUROPATHY, RECESSIVE INTERMEDIATE C. Identifiers: Orphanet 369867, MedGen C3809309, MONDO:0014154, OMIM 615376.

Allele frequency attached by ClinVar (database versions not stated): gnomAD 0.00001 and 0.00002; ExAC 0.00002; TOPMed 0.00002; gnomAD exomes 0.00003 and 0.00025.

Submissions (2):

Ambry Genetics
Classification: Uncertain significance for Inborn genetic diseases. Last evaluated: 2024-03-01. Review status: criteria provided, single submitter. Criteria: Ambry Variant Classification Scheme 2023. Collection method: clinical testing. Allele origin: germline.

Labcorp Genetics (formerly Invitae), Labcorp
Classification: Uncertain significance for Neuronopathy, distal hereditary motor, autosomal recessive 4; Charcot-Marie-Tooth disease recessive intermediate C. Last evaluated: 2022-08-15. Review status: criteria provided, single submitter. Criteria: Invitae Variant Classification Sherloc (09022015). Collection method: clinical testing. Allele origin: germline.
Comment: This sequence change replaces serine, which is neutral and polar, with asparagine, which is neutral and polar, at codon 881 of the PLEKHG5 protein (p.Ser881Asn). This variant is present in population databases (rs769702301, gnomAD 0.006%). This variant has not been reported in the literature in individuals affected with PLEKHG5-related conditions. ClinVar contains an entry for this variant (Variation ID: 864008). Algorithms developed to predict the effect of missense changes on protein structure and function output the following: SIFT: "Tolerated"; PolyPhen-2: "Benign"; Align-GVGD: "Class C0". The asparagine amino acid residue is found in multiple mammalian species, which suggests that this missense change does not adversely affect protein function. In summary, the available evidence is currently insufficient to determine the role of this variant in disease. Therefore, it has been classified as a Variant of Uncertain Significance.